The following is an entry in ClinVar:

ClinVar aggregate classification (germline): Uncertain significance (1 of 4 stars; one submission).

Allele frequency attached by ClinVar (database versions not stated): ExAC 0.00001.
gnomAD v4.1: 2 of 1,614,182 alleles (0.00012%); highest among the groups gnomAD compares: Non-Finnish European, 0.00017%; no homozygotes.

Submission:

Labcorp Genetics (formerly Invitae), Labcorp
Classification: Uncertain significance. Last evaluated: 2022-02-01. Review status: criteria provided, single submitter. Criteria: Invitae Variant Classification Sherloc (09022015). Collection method: clinical testing. Allele origin: germline.
Comment: This variant is present in population databases (rs757078933, gnomAD 0.0009%). This variant has not been reported in the literature in individuals affected with COL4A1-related conditions. This sequence change replaces alanine, which is neutral and non-polar, with valine, which is neutral and non-polar, at codon 1162 of the COL4A1 protein (p.Ala1162Val). Advanced modeling of protein sequence and biophysical properties (such as structural, functional, and spatial information, amino acid conservation, physicochemical variation, residue mobility, and thermodynamic stability) performed at Invitae indicates that this missense variant is not expected to disrupt COL4A1 protein function. Algorithms developed to predict the effect of sequence changes on RNA splicing suggest that this variant may create or strengthen a splice site. In summary, the available evidence is currently insufficient to determine the role of this variant in disease. Therefore, it has been classified as a Variant of Uncertain Significance.

NM_001845.6(COL4A1):c.3485C>T (p.Ala1162Val)

Gene: COL4A1 (collagen type IV alpha 1 chain; minus strand). Cytogenetic location: 13q34.
Variant type: single nucleotide variant.
Coding change: c.3485C>T on transcript NM_001845.6 (MANE Select); coding-DNA position 3485, C replaced by T.
Protein change: p.Ala1162Val; replaces alanine 1162 with valine.
Molecular consequence: missense variant.
Genome position (GRCh38, 1-based): chr13:110,173,920, G>A on the plus strand (C>T on the coding strand, the complement: COL4A1 is on the minus strand). VCF-style: chr13-110173920-G-A. GRCh37 (hg19) VCF-style: chr13-110826267-G-A.
Other names: short protein forms A1162V.
Identifiers: ClinVar variation 1954289 (VCV001954289.5), dbSNP rs757078933, ClinGen allele CA7047257.